The following is an entry in ClinVar:

NM_006226.4(PLCL1):c.2689G>A (p.Ala897Thr)

Gene: PLCL1 (phospholipase C like 1 (inactive); plus strand). Cytogenetic location: 2q33.1.
Variant type: single nucleotide variant.
Coding change: c.2689G>A on transcript NM_006226.4 (MANE Select); coding-DNA position 2689, G replaced by A.
Protein change: p.Ala897Thr; replaces alanine 897 with threonine.
Molecular consequence: missense variant.
Genome position (GRCh38, 1-based): chr2:198,086,206, G>A. VCF-style: chr2-198086206-G-A. GRCh37 (hg19) VCF-style: chr2-198950930-G-A.
Other names: c.2689G>A, p.Ala897Thr (NM_001114661.1); short protein forms A897T.
Identifiers: ClinVar variation 2651801 (VCV002651801.24), dbSNP rs2468862372, ClinGen allele CA350224028.

ClinVar aggregate classification (germline): Uncertain significance (1 of 4 stars; one submission).

Submission:

CeGaT Center for Human Genetics Tuebingen
Classification: Uncertain significance. Last evaluated: 2023-09-01. Review status: criteria provided, single submitter. Criteria: CeGaT Center For Human Genetics Tuebingen Variant Classification Criteria Version 2. Collection method: clinical testing. Allele origin: germline. Affected: yes. Observed: 1 variant allele.
Comment: PLCL1: PM2